The following is an entry in ClinVar:

ClinVar aggregate classification (germline): Uncertain significance. Review status: criteria provided, multiple submitters, no conflicts (2 of 4 stars). 2 submissions from 2 submitters: Uncertain significance (2). Last evaluated 2025-05-01.

Conditions:
Inborn genetic diseases. Identifiers: MedGen C0950123, MeSH D030342.

Allele frequency attached by ClinVar (database versions not stated): ExAC 0.00001; gnomAD 0.00001; gnomAD exomes 0.00003; TOPMed 0.00003; ESP Exome Variant Server 0.00008.
gnomAD v4.1: 45 of 1,613,894 alleles (0.0028%); highest among the groups gnomAD compares: Non-Finnish European, 0.0036%; no homozygotes.

Submissions (2):

GeneDx
Classification: Uncertain significance. Last evaluated: 2025-05-01. Review status: criteria provided, single submitter. Criteria: GeneDx Variant Classification Process June 2021. Collection method: clinical testing. Allele origin: germline. Affected: yes.
Comment: Not observed at significant frequency in large population cohorts (gnomAD); In silico analysis supports that this missense variant has a deleterious effect on protein structure/function; Has not been previously published as pathogenic or benign to our knowledge

Ambry Genetics
Classification: Uncertain significance for Inborn genetic diseases. Last evaluated: 2022-05-05. Review status: criteria provided, single submitter. Criteria: Ambry Variant Classification Scheme 2023. Collection method: clinical testing. Allele origin: germline.

NM_001376571.1(MADD):c.3305G>A (p.Gly1102Asp)

Gene: MADD (MAP kinase activating death domain; plus strand). Cytogenetic location: 11p11.2.
Variant type: single nucleotide variant.
Coding change: c.3305G>A on transcript NM_001376571.1 (MANE Select); coding-DNA position 3305, G replaced by A.
Protein change: p.Gly1102Asp; replaces glycine 1102 with aspartic acid.
Molecular consequence: missense variant. On other transcripts: non-coding transcript variant (8).
Genome position (GRCh38, 1-based): chr11:47,290,760, G>A. VCF-style: chr11-47290760-G-A. GRCh37 (hg19) VCF-style: chr11-47312311-G-A.
Other names: c.3116G>A, p.Gly1039Asp (NM_001135943.2, NM_001135944.2, NM_001376585.1 and 21 more transcripts); c.3176G>A, p.Gly1059Asp (NM_001376582.1, NM_001376586.1, NM_001376607.1 and 14 more transcripts); c.3143G>A, p.Gly1048Asp (NM_001376583.1, NM_001376611.1, NM_001376613.1 and 1 more transcripts); c.3245G>A, p.Gly1082Asp (NM_001376584.1, NM_001376593.1, NM_001376594.1 and 12 more transcripts); c.3323G>A, p.Gly1108Asp (NM_001376596.1); c.3305G>A, p.Gly1102Asp (NM_001376599.1, NM_001376600.1, NM_001376601.1 and 11 more transcripts); c.3152G>A, p.Gly1051Asp (NM_001376602.1); c.3041G>A, p.Gly1014Asp (NM_001376620.1, NM_001376657.1); and 9 more; short protein forms G1005D, G1034D, G1050D, G1102D, G892D, G991D, G1014D, G1048D.
Identifiers: ClinVar variation 2368554 (VCV002368554.3), dbSNP rs371304369, ClinGen allele CA5974729.
Genomic context (GRCh38, chr11:47,290,760, plus strand): 5'-CTATGGCACAACTGAGAGTTCCACAACTGGGACCTCGGGCACCAAGTGCCACAGGAAAGG[G>A]TCCTAAGGAACTGGACACCAGAAGTTTAAAGGAAGAAAATTTTATAGCATCTATTGGTAC-3'
Protein context (NP_001363500.1, residues 1092-1112): GPRAPSATGK[Gly1102Asp]PKELDTRSLK